The following is an entry in ClinVar:

NM_032043.3(BRIP1):c.-2C>A

Gene: BRIP1 (BRCA1 interacting DNA helicase 1; minus strand). Cytogenetic location: 17q23.2.
Variant type: single nucleotide variant.
Coding change: c.-2C>A on transcript NM_032043.3 (MANE Select); 2 bases upstream of the start codon, C replaced by A.
Molecular consequence: 5 prime UTR variant.
Genome position (GRCh38, 1-based): chr17:61,861,541, G>T on the plus strand (C>A on the coding strand, the complement: BRIP1 is on the minus strand). VCF-style: chr17-61861541-G-T. GRCh37 (hg19) VCF-style: chr17-59938902-G-T.
Identifiers: ClinVar variation 1798649 (VCV001798649.2), dbSNP rs2078973923, ClinGen allele CA2580094665.

ClinVar aggregate classification (germline): Uncertain significance (1 of 4 stars; one submission).

Conditions:
Hereditary cancer-predisposing syndrome. Also called: Neoplastic Syndromes, Hereditary; Tumor predisposition; Hereditary Cancer Syndrome; Hereditary neoplastic syndrome. Identifiers: Orphanet 140162, MedGen C0027672, MeSH D009386, MONDO:0015356.

Submission:

Ambry Genetics
Classification: Uncertain significance for Hereditary cancer-predisposing syndrome. Last evaluated: 2024-03-11. Review status: criteria provided, single submitter. Criteria: Ambry Variant Classification Scheme 2023. Collection method: clinical testing. Allele origin: germline.
Comment: The c.-2C>A variant is located in the 5' untranslated region (5&rsquo; UTR) of the BRIP1 gene. This variant results from a C to A substitution 2 bases upstream from the first translated codon. This nucleotide position is poorly conserved in available vertebrate species. Based on the available evidence, the clinical significance of this alteration remains unclear.